The following is an entry in ClinVar:

NC_000005.9:g.(?_92920730)_(92929548_?)del

Gene: NR2F1 (nuclear receptor subfamily 2 group F member 1; plus strand). Cytogenetic location: 5q15.
Variant type: Deletion.
Identifiers: ClinVar variation 1460081 (VCV001460081.5).

ClinVar aggregate classification (germline): Pathogenic (1 of 4 stars; one submission).

Submission:

Labcorp Genetics (formerly Invitae), Labcorp
Classification: Pathogenic. Last evaluated: 2023-12-12. Review status: criteria provided, single submitter. Criteria: Invitae Variant Classification Sherloc (09022015). Collection method: clinical testing. Allele origin: germline.
Comment: A gross deletion of the genomic region encompassing the full coding sequence of the NR2F1 gene has been identified. Loss-of-function variants in NR2F1 are known to be pathogenic (PMID: 14738874, 24462372). The boundaries of this event are unknown as they extend beyond the assayed region for this gene and therefore may encompass additional genes. Isolated whole-gene deletions of NR2F1 have not been reported in the literature. However, larger copy number events that include this gene have been reported (PMID: 24462372, 26986877, 32275123). For these reasons, this variant has been classified as Pathogenic.

Literature cited by the submitters: PubMed 14738874; PubMed 24462372; PubMed 26986877; PubMed 32275123.